The following is an entry in ClinVar:

ClinVar aggregate classification (germline): Benign. Review status: criteria provided, single submitter (1 of 4 stars). 2 submissions from 2 submitters: Benign (1). 1 of the submissions does not count toward it. Last evaluated 2023-11-13.

Conditions:
CELSR2-related disorder. Also called: CELSR2-related condition.

Allele frequency attached by ClinVar (database versions not stated): TOPMed 0.00006; gnomAD 0.00017; gnomAD exomes 0.00045; 1000 Genomes Project 0.00060; 1000 Genomes Project 30x 0.00078; ExAC 0.00090.
gnomAD v4.1: 667 of 1,613,556 alleles (0.041%); highest among the groups gnomAD compares: South Asian, 0.67%; 6 homozygotes.

Submissions (2):

Labcorp Genetics (formerly Invitae), Labcorp
Classification: Benign. Last evaluated: 2023-11-13. Review status: criteria provided, single submitter. Criteria: Invitae Variant Classification Sherloc (09022015). Collection method: clinical testing. Allele origin: germline.

PreventionGenetics, part of Exact Sciences
Classification: Likely benign for CELSR2-related condition. Last evaluated: 2019-04-25. Review status: no assertion criteria provided. Collection method: clinical testing. Allele origin: germline. Not counted in ClinVar's aggregate classification.
Comment: This variant is classified as likely benign based on ACMG/AMP sequence variant interpretation guidelines (Richards et al. 2015 PMID: 25741868, with internal and published modifications).

NM_001408.3(CELSR2):c.6588G>A (p.Pro2196=)

Gene: CELSR2 (cadherin EGF LAG seven-pass G-type receptor 2; plus strand). Cytogenetic location: 1p13.3.
Variant type: single nucleotide variant.
Coding change: c.6588G>A on transcript NM_001408.3 (MANE Select); coding-DNA position 6588, G replaced by A.
Protein change: p.Pro2196=; no amino-acid change (proline 2196 retained).
Molecular consequence: synonymous variant.
Genome position (GRCh38, 1-based): chr1:109,268,965, G>A. VCF-style: chr1-109268965-G-A. GRCh37 (hg19) VCF-style: chr1-109811587-G-A.
Other names: c.6588G>A (NM_001408.2).
Identifiers: ClinVar variation 2146576 (VCV002146576.6), dbSNP rs562694493, ClinGen allele CA987933.